The following is an entry in ClinVar:

NM_001009944.3(PKD1):c.9758T>A (p.Leu3253Gln)

Gene: PKD1 (polycystin 1, transient receptor potential channel interacting; minus strand). Cytogenetic location: 16p13.3.
Variant type: single nucleotide variant.
Coding change: c.9758T>A on transcript NM_001009944.3 (MANE Select); coding-DNA position 9758, T replaced by A.
Protein change: p.Leu3253Gln; replaces leucine 3253 with glutamine.
Molecular consequence: missense variant.
Genome position (GRCh38, 1-based): chr16:2,100,026, A>T on the plus strand (T>A on the coding strand, the complement: PKD1 is on the minus strand). VCF-style: chr16-2100026-A-T. GRCh37 (hg19) VCF-style: chr16-2150027-A-T.
Other names: c.9758T>A, p.Leu3253Gln (NM_000296.4); short protein forms L3253Q.
Identifiers: ClinVar variation 997285 (VCV000997285.1), dbSNP rs2092025452, ClinGen allele CA394354231.
Genomic context (GRCh38, chr16:2,100,026, plus strand): 5'-CTACGAGGCGGCCGGTCCCATATGGAGAGCCAGATGTGCTTGTCAAAGAAGCCACGCTGC[A>T]GCTCAGCCACCAGCAGGCGCCGGAAGCGCAAAAGGGCTGCGTCGCCTAGAAGGCAGGGAG-3'
Protein context (NP_001009944.3, residues 3243-3263): LRFRRLLVAE[Leu3253Gln]QRGFFDKHIW

ClinVar aggregate classification (germline): Uncertain significance (0 of 4 stars; one submission).

Conditions:
Polycystic kidney disease. Also called: Polycystic kidney dysplasia; Kidney, Polycystic. Identifiers: MedGen C0022680, MeSH D007690, MONDO:0020642, HP:0000113.

Submission:

Department of Pathology and Laboratory Medicine, Sinai Health System
Classification: Uncertain significance for Polycystic Kidney disease. Review status: no assertion criteria provided. Collection method: clinical testing. Allele origin: unknown. Affected: yes. Study: The Canadian Open Genetics Repository (COGR).
Comment: The PKD1 p.Leu3253Gln variant was not identified in the literature nor was it identified in the dbSNP, ClinVar, LOVD 3.0, ADPKD Mutation Database or PKD1-LOVD databases. The variant was not identified in the following control databases: the 1000 Genomes Project, the NHLBI GO Exome Sequencing Project, the Exome Aggregation Consortium (August 8th 2016), or the Genome Aggregation Database (Feb 27, 2017). The p.Leu3253 residue is conserved in mammals but not in more distantly related organisms, and computational analyses (PolyPhen-2, SIFT, AlignGVGD, BLOSUM, MutationTaster) suggest that the variant may impact the protein; however, this information is not predictive enough to assume pathogenicity. The variant occurs outside of the splicing consensus sequence and in silico or computational prediction software programs (SpliceSiteFinder, MaxEntScan, NNSPLICE, GeneSplicer) do not predict a difference in splicing. In summary, based on the above information the clinical significance of this variant cannot be determined with certainty at this time. This variant is classified as a variant of uncertain significance.